The following is an entry in ClinVar:

NM_000038.6(APC):c.2816A>C (p.Lys939Thr)

Gene: APC (APC regulator of Wnt signaling pathway; plus strand). Cytogenetic location: 5q22.2.
Variant type: single nucleotide variant.
Coding change: c.2816A>C on transcript NM_000038.6 (MANE Select); coding-DNA position 2816, A replaced by C.
Protein change: p.Lys939Thr; replaces lysine 939 with threonine.
Molecular consequence: missense variant.
Genome position (GRCh38, 1-based): chr5:112,838,410, A>C. VCF-style: chr5-112838410-A-C. GRCh37 (hg19) VCF-style: chr5-112174107-A-C.
Other names: c.2816A>C, p.Lys939Thr (NM_001127510.3, NM_001354895.2, NM_001407450.1); c.2762A>C, p.Lys921Thr (NM_001127511.3); c.2870A>C, p.Lys957Thr (NM_001354896.2, NM_001407447.1, NM_001407448.1 and 1 more transcripts); c.2846A>C, p.Lys949Thr (NM_001354897.2); c.2741A>C, p.Lys914Thr (NM_001354898.2); c.2732A>C, p.Lys911Thr (NM_001354899.2); c.2693A>C, p.Lys898Thr (NM_001354900.2); c.2639A>C, p.Lys880Thr (NM_001354901.2, NM_001407453.1); and 11 more; short protein forms K555T, K813T, K848T, K856T, K898T, K939T, K949T, K967T.
Identifiers: ClinVar variation 2117790 (VCV002117790.4), dbSNP rs746315255, ClinGen allele CA033556.
Genomic context (GRCh38, chr5:112,838,410, plus strand): 5'-GAAATGCACTTAGAAGAAGCTCTGCTGCCCATACACATTCAAACACTTACAATTTCACTA[A>C]GTCGGAAAATTCAAATAGGACATGTTCTATGCCTTATGCCAAATTAGAATACAAGAGATC-3'
Protein context (NP_000029.2, residues 929-949): HTHSNTYNFT[Lys939Thr]SENSNRTCSM

ClinVar aggregate classification (germline): Uncertain significance (1 of 4 stars; one submission).

Conditions:
Familial adenomatous polyposis 1 (FAP1). Also called: FAMILIAL ADENOMATOUS POLYPOSIS 1, ATTENUATED; POLYPOSIS, ADENOMATOUS INTESTINAL. Identifiers: MedGen C2713442, MONDO:0021056, OMIM 175100. Disease mechanism: loss of function.

Allele frequency attached by ClinVar (database versions not stated): gnomAD exomes below 0.00001; TOPMed below 0.00001; ExAC 0.00001.
gnomAD v4.1: 2 of 1,614,214 alleles (0.00012%); highest among the groups gnomAD compares: East Asian, 0.0045%; no homozygotes.

Submission:

Labcorp Genetics (formerly Invitae), Labcorp
Classification: Uncertain significance for Familial adenomatous polyposis 1. Last evaluated: 2022-03-26. Review status: criteria provided, single submitter. Criteria: Invitae Variant Classification Sherloc (09022015). Collection method: clinical testing. Allele origin: germline.
Comment: In summary, the available evidence is currently insufficient to determine the role of this variant in disease. Therefore, it has been classified as a Variant of Uncertain Significance. Algorithms developed to predict the effect of missense changes on protein structure and function (SIFT, PolyPhen-2, Align-GVGD) all suggest that this variant is likely to be disruptive. This variant has not been reported in the literature in individuals affected with APC-related conditions. This variant is present in population databases (rs746315255, gnomAD 0.006%). This sequence change replaces lysine, which is basic and polar, with threonine, which is neutral and polar, at codon 939 of the APC protein (p.Lys939Thr).